The following is an entry in ClinVar:

NM_000252.3(MTM1):c.562A>C (p.Ile188Leu)

Gene: MTM1 (myotubularin 1; plus strand). Cytogenetic location: Xq28.
Variant type: single nucleotide variant.
Coding change: c.562A>C on transcript NM_000252.3 (MANE Select); coding-DNA position 562, A replaced by C.
Protein change: p.Ile188Leu; replaces isoleucine 188 with leucine.
Molecular consequence: missense variant.
Genome position (GRCh38, 1-based): chrX:150,641,302, A>C. VCF-style: chrX-150641302-A-C. GRCh37 (hg19) VCF-style: chrX-149809775-A-C.
Other names: c.562A>C, p.Ile188Leu (NM_001376906.1, NM_001376908.1); c.451A>C, p.Ile151Leu (NM_001376907.1); short protein forms I151L, I188L.
Identifiers: ClinVar variation 1717677 (VCV001717677.6), dbSNP rs2522361617, ClinGen allele CA415256017.

ClinVar aggregate classification (germline): Uncertain significance (1 of 4 stars; one submission).

Conditions:
Severe X-linked myotubular myopathy (CNMX). Also called: X-linked centronuclear myopathy; MYOTUBULAR MYOPATHY 1; Myotubular myopathy, X-linked. Identifiers: Orphanet 596, MedGen C0410203, MONDO:0010683, OMIM 310400.

Submission:

Labcorp Genetics (formerly Invitae), Labcorp
Classification: Uncertain significance for Severe X-linked myotubular myopathy. Last evaluated: 2022-08-22. Review status: criteria provided, single submitter. Criteria: Invitae Variant Classification Sherloc (09022015). Collection method: clinical testing. Allele origin: germline.
Comment: This variant has not been reported in the literature in individuals affected with MTM1-related conditions. Algorithms developed to predict the effect of missense changes on protein structure and function (SIFT, PolyPhen-2, Align-GVGD) all suggest that this variant is likely to be tolerated. In summary, the available evidence is currently insufficient to determine the role of this variant in disease. Therefore, it has been classified as a Variant of Uncertain Significance. This sequence change replaces isoleucine, which is neutral and non-polar, with leucine, which is neutral and non-polar, at codon 188 of the MTM1 protein (p.Ile188Leu). This variant is not present in population databases (gnomAD no frequency).